The following is an entry in ClinVar:

ClinVar aggregate classification (germline): Uncertain significance (1 of 4 stars; one submission).

Conditions:
PIEZO1-related disorder. Also called: PIEZO1-related condition; PIEZO1-Related Disorders.

gnomAD v4.1: 19 of 1,549,994 alleles (0.0012%); highest among the groups gnomAD compares: African/African-American, 0.025%; no homozygotes.

Submission:

PreventionGenetics, part of Exact Sciences
Classification: Uncertain significance for PIEZO1-related condition. Last evaluated: 2026-02-18. Review status: criteria provided, single submitter. Criteria: ACMG Guidelines, 2015. Collection method: clinical testing. Allele origin: germline.
Comment: The PIEZO1 c.2569C>G variant is predicted to result in the amino acid substitution p.Leu857Val. To our knowledge, this variant has not been reported in the literature. This variant is reported in 0.038% of alleles in individuals of African descent in gnomAD. At this time, the clinical significance of this variant is uncertain due to the absence of conclusive functional and genetic evidence.

NM_001142864.4(PIEZO1):c.2569C>G (p.Leu857Val)

Genes: HSALR1 (HSP90AB1 associated lncRNA 1; plus strand), PIEZO1 (piezo type mechanosensitive ion channel component 1 (Er blood group); minus strand). Cytogenetic location: 16q24.3.
Variant type: single nucleotide variant.
Coding change: c.2569C>G on transcript NM_001142864.4 (MANE Select); coding-DNA position 2569, C replaced by G.
Protein change: p.Leu857Val; replaces leucine 857 with valine.
Molecular consequence: missense variant.
Genome position (GRCh38, 1-based): chr16:88,733,373, G>C on the plus strand (C>G on the coding strand, the complement: PIEZO1 is on the minus strand). VCF-style: chr16-88733373-G-C. GRCh37 (hg19) VCF-style: chr16-88799781-G-C.
Other names: short protein forms L857V.
Identifiers: ClinVar variation 4987789 (VCV004987789.1).